The following is an entry in ClinVar:

NM_000059.4(BRCA2):c.11G>T (p.Gly4Val)

Gene: BRCA2 (BRCA2 DNA repair associated; plus strand). Cytogenetic location: 13q13.1.
Variant type: single nucleotide variant.
Coding change: c.11G>T on transcript NM_000059.4 (MANE Select); coding-DNA position 11, G replaced by T.
Protein change: p.Gly4Val; replaces glycine 4 with valine.
Molecular consequence: missense variant.
Genome position (GRCh38, 1-based): chr13:32,316,471, G>T. VCF-style: chr13-32316471-G-T. GRCh37 (hg19) VCF-style: chr13-32890608-G-T.
Other names: short protein forms G4V.
Identifiers: ClinVar variation 818568 (VCV000818568.4), dbSNP rs587782137, ClinGen allele CA387752915.

ClinVar aggregate classification (germline): Uncertain significance (1 of 4 stars; one submission).

Conditions:
Hereditary cancer-predisposing syndrome. Also called: Tumor predisposition; Hereditary neoplastic syndrome; Neoplastic Syndromes, Hereditary; Hereditary Cancer Syndrome. Identifiers: Orphanet 140162, MedGen C0027672, MeSH D009386, MONDO:0015356.

gnomAD v4.1: 3 of 1,613,888 alleles (0.00019%); highest among the groups gnomAD compares: Non-Finnish European, 0.00025%; no homozygotes.

Submission:

Ambry Genetics
Classification: Uncertain significance for Hereditary cancer-predisposing syndrome. Last evaluated: 2019-09-26. Review status: criteria provided, single submitter. Criteria: Ambry Variant Classification Scheme 2023. Collection method: clinical testing. Allele origin: germline.
Comment: The p.G4V variant (also known as c.11G>T), located in coding exon 1 of the BRCA2 gene, results from a G to T substitution at nucleotide position 11. The glycine at codon 4 is replaced by valine, an amino acid with dissimilar properties. This amino acid position is poorly conserved in available vertebrate species. In addition, this alteration is predicted to be tolerated by in silico analysis. Since supporting evidence is limited at this time, the clinical significance of this alteration remains unclear.